The following is an entry in ClinVar:

NM_001394062.1(MACF1):c.18655dup (p.Tyr6219fs)

Gene: MACF1 (microtubule actin crosslinking factor 1; plus strand). Cytogenetic location: 1p34.3.
Variant type: Duplication.
Coding change: c.18655dup on transcript NM_001394062.1 (MANE Select); coding-DNA position 18655, one base duplicated (T; older notation c.18655dupT).
Protein change: p.Tyr6219fs; shifts the reading frame from tyrosine 6219.
Molecular consequence: frameshift variant.
Genome position (GRCh38, 1-based): chr1:39,441,308, T duplicated. VCF-style (leftmost placement, unchanged base first): chr1-39441307-G-GT. GRCh37 (hg19) VCF-style: chr1-39906979-G-GT.
Other names: c.12478dup, p.Tyr4160fs (NM_012090.5); short protein forms Y4160fs, Y6219fs.
Identifiers: ClinVar variation 1327198 (VCV001327198.2), dbSNP rs2148664941, ClinGen allele CA2573051562.

ClinVar aggregate classification (germline): Uncertain significance (1 of 4 stars; one submission).

Submission:

GeneDx
Classification: Uncertain significance. Last evaluated: 2021-04-27. Review status: criteria provided, single submitter. Criteria: GeneDx Variant Classification Process June 2021. Collection method: clinical testing. Allele origin: germline. Affected: yes.
Comment: Not observed in large population cohorts (Lek et al., 2016); Frameshift variant predicted to result in protein truncation or nonsense mediated decay in a gene for which loss-of-function is not a known mechanism of disease; Has not been previously published as pathogenic or benign to our knowledge